The following is an entry in ClinVar:

ClinVar aggregate classification (germline): Uncertain significance. Review status: criteria provided, multiple submitters, no conflicts (2 of 4 stars). 2 submissions from 2 submitters: Uncertain significance (2). Last evaluated 2023-08-17.

Conditions:
Muscular dystrophy-dystroglycanopathy (congenital with brain and eye anomalies), type A9. Also called: Muscular dystrophy-dystroglycanopathy (congenital with brain and eye anomalies), type a, 9; WALKER-WARBURG SYNDROME OR MUSCLE-EYE BRAIN DISEASE, DAG1-RELATED. Identifiers: Orphanet 370997, Orphanet 899, MedGen C4225291, MONDO:0014683, OMIM 616538.
Autosomal recessive limb-girdle muscular dystrophy type 2P. Also called: MUSCULAR DYSTROPHY-DYSTROGLYCANOPATHY, LIMB-GIRDLE, DAG1-RELATED; Limb-Girdle Muscular Dystrophy Type 9C; MUSCULAR DYSTROPHY, LIMB-GIRDLE, TYPE 2P. Identifiers: Orphanet 280333, MedGen C4511963, MONDO:0013440, OMIM 613818.

Allele frequency attached by ClinVar (database versions not stated): gnomAD exomes 0.00001 and 0.00004; gnomAD 0.00001; ExAC 0.00005.
gnomAD v4.1: 18 of 1,613,944 alleles (0.0011%); highest among the groups gnomAD compares: South Asian, 0.02%; no homozygotes.

Submissions (2):

Labcorp Genetics (formerly Invitae), Labcorp
Classification: Uncertain significance for Autosomal recessive limb-girdle muscular dystrophy type 2P; Muscular dystrophy-dystroglycanopathy (congenital with brain and eye anomalies), type A9. Last evaluated: 2023-08-17. Review status: criteria provided, single submitter. Criteria: Invitae Variant Classification Sherloc (09022015). Collection method: clinical testing. Allele origin: germline.
Comment: This sequence change replaces threonine, which is neutral and polar, with alanine, which is neutral and non-polar, at codon 478 of the DAG1 protein (p.Thr478Ala). This variant is present in population databases (rs767278957, gnomAD 0.03%). This variant has not been reported in the literature in individuals affected with DAG1-related conditions. ClinVar contains an entry for this variant (Variation ID: 284320). Advanced modeling of protein sequence and biophysical properties (such as structural, functional, and spatial information, amino acid conservation, physicochemical variation, residue mobility, and thermodynamic stability) performed at Invitae indicates that this missense variant is not expected to disrupt DAG1 protein function. In summary, the available evidence is currently insufficient to determine the role of this variant in disease. Therefore, it has been classified as a Variant of Uncertain Significance.

Eurofins Ntd Llc (ga)
Classification: Uncertain significance. Last evaluated: 2015-11-03. Review status: criteria provided, single submitter. Criteria: EGL Classification Definitions 2015. Collection method: clinical testing. Allele origin: germline. Observed: 1 variant allele, 1 heterozygote.

NM_004393.6(DAG1):c.1432A>G (p.Thr478Ala)

Gene: DAG1 (dystroglycan 1; plus strand). Cytogenetic location: 3p21.31.
Variant type: single nucleotide variant.
Coding change: c.1432A>G on transcript NM_004393.6 (MANE Select); coding-DNA position 1432, A replaced by G.
Protein change: p.Thr478Ala; replaces threonine 478 with alanine.
Molecular consequence: missense variant.
Genome position (GRCh38, 1-based): chr3:49,531,943, A>G. VCF-style: chr3-49531943-A-G. GRCh37 (hg19) VCF-style: chr3-49569376-A-G.
Other names: c.1432A>G, p.Thr478Ala (NM_001165928.4, NM_001177634.3, NM_001177635.3 and 9 more transcripts); short protein forms T478A.
Identifiers: ClinVar variation 284320 (VCV000284320.8), dbSNP rs767278957, ClinGen allele CA2399081.